The following is an entry in ClinVar:

NM_003470.3(USP7):c.3058G>T (p.Val1020Leu)

Gene: USP7 (ubiquitin specific peptidase 7; minus strand). Cytogenetic location: 16p13.2.
Variant type: single nucleotide variant.
Coding change: c.3058G>T on transcript NM_003470.3 (MANE Select); coding-DNA position 3058, G replaced by T.
Protein change: p.Val1020Leu; replaces valine 1020 with leucine.
Molecular consequence: missense variant. On other transcripts: non-coding transcript variant (1).
Genome position (GRCh38, 1-based): chr16:8,894,837, C>A on the plus strand (G>T on the coding strand, the complement: USP7 is on the minus strand). VCF-style: chr16-8894837-C-A. GRCh37 (hg19) VCF-style: chr16-8988694-C-A.
Other names: c.3010G>T, p.Val1004Leu (NM_001286457.2); c.2761G>T, p.Val921Leu (NM_001286458.2); c.2884G>T, p.Val962Leu (NM_001321858.2); short protein forms V1004L, V1020L, V921L, V962L.
Identifiers: ClinVar variation 2577741 (VCV002577741.1), dbSNP rs2549212978, ClinGen allele CA394695496.
Genomic context (GRCh38, chr16:8,894,837, plus strand): 5'-TGCACACCTTCTCAAACTCCTTCTCCTGGATGTCCAGCAGGCTCTGGATTCGCTTCATCA[C>A]TTCTCGAAAATGCTCGCCCTAGAATGGCAAAGGACATGTGCTCACACAGTCACTCCCAGC-3'
Protein context (NP_003461.2, residues 1010-1030): RIHQGEHFRE[Val1020Leu]MKRIQSLLDI

ClinVar aggregate classification (germline): Uncertain significance (1 of 4 stars; one submission).

Submission:

GeneDx
Classification: Uncertain significance. Last evaluated: 2023-02-24. Review status: criteria provided, single submitter. Criteria: GeneDx Variant Classification Process June 2021. Collection method: clinical testing. Allele origin: germline. Affected: yes.
Comment: Not observed at significant frequency in large population cohorts (gnomAD); In silico analysis supports that this missense variant does not alter protein structure/function; Has not been previously published as pathogenic or benign to our knowledge